The following is an entry in ClinVar:

ClinVar aggregate classification (germline): Pathogenic (1 of 4 stars; one submission).

Conditions:
Tatton-Brown-Rahman overgrowth syndrome. Also called: Tatton-Brown-Rahman syndrome; Tall stature-intellectual disability-facial dysmorphism syndrome. Identifiers: Orphanet 404443, MedGen C4014545, MONDO:0014382, OMIM 615879.

Allele frequency attached by ClinVar (database versions not stated): gnomAD 0.00001; ExAC 0.00002.
gnomAD v4.1: 3 of 1,614,034 alleles (0.00019%); highest among the groups gnomAD compares: Non-Finnish European, 0.00017%; no homozygotes.

Submission:

Labcorp Genetics (formerly Invitae), Labcorp
Classification: Pathogenic for Tatton-Brown-Rahman overgrowth syndrome. Last evaluated: 2023-10-03. Review status: criteria provided, single submitter. Criteria: Invitae Variant Classification Sherloc (09022015). Collection method: clinical testing. Allele origin: germline.
Comment: This sequence change creates a premature translational stop signal (p.Trp893*) in the DNMT3A gene. While this is not anticipated to result in nonsense mediated decay, it is expected to disrupt the last 20 amino acid(s) of the DNMT3A protein. This variant is present in population databases (rs750515748, gnomAD 0.002%). This variant has not been reported in the literature in individuals affected with DNMT3A-related conditions. ClinVar contains an entry for this variant (Variation ID: 1486678). This variant disrupts a region of the DNMT3A protein in which other variant(s) (p.Pro904Leu) have been determined to be pathogenic (PMID: 24614070, 31961069). This suggests that this is a clinically significant region of the protein, and that variants that disrupt it are likely to be disease-causing. For these reasons, this variant has been classified as Pathogenic.

Literature cited by the submitters: PubMed 24614070; PubMed 31961069.

NM_022552.5(DNMT3A):c.2678G>A (p.Trp893Ter)

Gene: DNMT3A (DNA methyltransferase 3 alpha; minus strand). Cytogenetic location: 2p23.3.
Variant type: single nucleotide variant.
Coding change: c.2678G>A on transcript NM_022552.5 (MANE Select); coding-DNA position 2678, G replaced by A.
Protein change: p.Trp893Ter; replaces tryptophan 893 with a stop codon.
Molecular consequence: nonsense. On other transcripts: non-coding transcript variant (1).
Genome position (GRCh38, 1-based): chr2:25,234,340, C>T on the plus strand (G>A on the coding strand, the complement: DNMT3A is on the minus strand). VCF-style: chr2-25234340-C-T. GRCh37 (hg19) VCF-style: chr2-25457209-C-T.
Other names: c.2222G>A, p.Trp741Ter (NM_001320893.1); c.2009G>A, p.Trp670Ter (NM_001375819.1); c.2111G>A, p.Trp704Ter (NM_153759.3); c.2678G>A, p.Trp893Ter (NM_175629.2); short protein forms W741*, W704*, W670*, W893*.
Identifiers: ClinVar variation 1486678 (VCV001486678.8), dbSNP rs750515748, ClinGen allele CA1555476.
Genomic context (GRCh38, chr2:25,234,340, plus strand): 5'-TACACACACGCAAAATACTCCTTCAGCGGAGCGAAGAGGTGGCGGATGACTGGCACGCTC[C>T]ATGACCGGCCCAGCAGTCTCTGCCTCGCCAAGCGGCTCATGTTGGAGACGTCAGTATAGT-3'